The following is an entry in ClinVar:

NM_000782.5(CYP24A1):c.1031G>A (p.Arg344His)

Gene: CYP24A1 (cytochrome P450 family 24 subfamily A member 1; minus strand). Cytogenetic location: 20q13.2.
Variant type: single nucleotide variant.
Coding change: c.1031G>A on transcript NM_000782.5 (MANE Select); coding-DNA position 1031, G replaced by A.
Protein change: p.Arg344His; replaces arginine 344 with histidine.
Molecular consequence: missense variant.
Genome position (GRCh38, 1-based): chr20:54,159,083, C>T on the plus strand (G>A on the coding strand, the complement: CYP24A1 is on the minus strand). VCF-style: chr20-54159083-C-T. GRCh37 (hg19) VCF-style: chr20-52775622-C-T.
Other names: c.1031G>A, p.Arg344His (NM_001128915.2); c.1031G>A (NM_000782.4); short protein forms R344H.
Identifiers: ClinVar variation 1647156 (VCV001647156.9), dbSNP rs116548533, ClinGen allele CA9915913.

ClinVar aggregate classification (germline): Benign/Likely benign. Review status: criteria provided, multiple submitters, no conflicts (2 of 4 stars). 2 submissions from 2 submitters: Benign (1); Likely benign (1). Last evaluated 2025-07-23.

Conditions:
CYP24A1-related disorder. Also called: CYP24A1-related condition.

Allele frequency attached by ClinVar (database versions not stated): ExAC 0.00056; 1000 Genomes Project 0.00140; 1000 Genomes Project 30x 0.00141; gnomAD 0.00142 and 0.00154; TOPMed 0.00167; ESP Exome Variant Server 0.00215.
gnomAD v4.1: 479 of 1,613,760 alleles (0.03%); highest among the groups gnomAD compares: African/African-American, 0.46%; no homozygotes.

Submissions (2):

Labcorp Genetics (formerly Invitae), Labcorp
Classification: Benign. Last evaluated: 2025-07-23. Review status: criteria provided, single submitter. Criteria: Invitae Variant Classification Sherloc (09022015). Collection method: clinical testing. Allele origin: germline.

PreventionGenetics, part of Exact Sciences
Classification: Likely benign for CYP24A1-related condition. Last evaluated: 2025-03-24. Review status: criteria provided, single submitter. Criteria: ACMG Guidelines, 2015. Collection method: clinical testing. Allele origin: germline.
Comment: This variant is classified as likely benign based on ACMG/AMP sequence variant interpretation guidelines (Richards et al. 2015 PMID: 25741868, with internal and published modifications).